The following is an entry in ClinVar:

NM_018706.7(DHTKD1):c.2369C>T (p.Pro790Leu)

Gene: DHTKD1 (dehydrogenase E1 and transketolase domain containing 1; plus strand). Cytogenetic location: 10p14.
Variant type: single nucleotide variant.
Coding change: c.2369C>T on transcript NM_018706.7 (MANE Select); coding-DNA position 2369, C replaced by T.
Protein change: p.Pro790Leu; replaces proline 790 with leucine.
Molecular consequence: missense variant.
Genome position (GRCh38, 1-based): chr10:12,117,722, C>T. VCF-style: chr10-12117722-C-T. GRCh37 (hg19) VCF-style: chr10-12159721-C-T.
Other names: short protein forms P790L.
Identifiers: ClinVar variation 1934737 (VCV001934737.5), dbSNP rs776497952, ClinGen allele CA5408234.

ClinVar aggregate classification (germline): Uncertain significance (1 of 4 stars; one submission).

Conditions:
2-aminoadipic 2-oxoadipic aciduria (AAKAD). Also called: Aminoadipic aciduria; ALPHA-AMINOADIPIC AND ALPHA-KETOADIPIC ACIDURIA. Identifiers: Orphanet 79154, MedGen C1859817, MONDO:0008774, OMIM 204750.

Allele frequency attached by ClinVar (database versions not stated): gnomAD exomes 0.00001; ExAC 0.00004.
gnomAD v4.1: 20 of 1,605,442 alleles (0.0012%); highest among the groups gnomAD compares: South Asian, 0.0078%; no homozygotes.

Submission:

Labcorp Genetics (formerly Invitae), Labcorp
Classification: Uncertain significance for 2-aminoadipic 2-oxoadipic aciduria. Last evaluated: 2022-10-09. Review status: criteria provided, single submitter. Criteria: Invitae Variant Classification Sherloc (09022015). Collection method: clinical testing. Allele origin: germline.
Comment: In summary, the available evidence is currently insufficient to determine the role of this variant in disease. Therefore, it has been classified as a Variant of Uncertain Significance. Advanced modeling of protein sequence and biophysical properties (such as structural, functional, and spatial information, amino acid conservation, physicochemical variation, residue mobility, and thermodynamic stability) has been performed at Invitae for this missense variant, however the output from this modeling did not meet the statistical confidence thresholds required to predict the impact of this variant on DHTKD1 protein function. This missense change has been observed in individual(s) with clinical features of Charcot-Marie-Tooth disease (PMID: 30896807). This variant is present in population databases (rs776497952, gnomAD 0.006%). This sequence change replaces proline, which is neutral and non-polar, with leucine, which is neutral and non-polar, at codon 790 of the DHTKD1 protein (p.Pro790Leu).

Literature cited by the submitters: PubMed 30896807.